The following is an entry in ClinVar:

ClinVar aggregate classification (germline): Uncertain significance (1 of 4 stars; one submission).

Submission:

GeneDx
Classification: Uncertain significance. Last evaluated: 2023-12-06. Review status: criteria provided, single submitter. Criteria: GeneDx Variant Classification Process June 2021. Collection method: clinical testing. Allele origin: germline. Affected: yes.
Comment: Not observed at significant frequency in large population cohorts (gnomAD); In silico analysis supports that this missense variant does not alter protein structure/function; In silico analysis is inconclusive as to whether the variant alters gene splicing. In the absence of RNA/functional studies, the actual effect of this sequence change is unknown.; Has not been previously published as pathogenic or benign to our knowledge

NM_001372044.2(SHANK3):c.3737T>A (p.Val1246Glu)

Gene: SHANK3 (SH3 and multiple ankyrin repeat domains 3; plus strand). Cytogenetic location: 22q13.33.
Variant type: single nucleotide variant.
Coding change: c.3737T>A on transcript NM_001372044.2 (MANE Select); coding-DNA position 3737, T replaced by A.
Protein change: p.Val1246Glu; replaces valine 1246 with glutamic acid.
Molecular consequence: missense variant.
Genome position (GRCh38, 1-based): chr22:50,721,345, T>A. VCF-style: chr22-50721345-T-A. GRCh37 (hg19) VCF-style: chr22-51159773-T-A.
Other names: c.3512T>A (NM_033517.1); short protein forms V1246E.
Identifiers: ClinVar variation 3252275 (VCV003252275.1), dbSNP rs2518428277.